The following is an entry in ClinVar:

ClinVar aggregate classification (germline): Uncertain significance (1 of 4 stars; one submission).

Conditions:
Cortical dysplasia-focal epilepsy syndrome (PTHSL1). Also called: Pitt-Hopkins-like syndrome 1. Identifiers: Orphanet 163681, Orphanet 221150, MedGen C2750246, MONDO:0012400, OMIM 610042.

gnomAD v4.1: 3 of 1,611,982 alleles (0.00019%); highest among the groups gnomAD compares: Non-Finnish European, 0.00025%; no homozygotes.

Submission:

Labcorp Genetics (formerly Invitae), Labcorp
Classification: Uncertain significance for Cortical dysplasia-focal epilepsy syndrome. Last evaluated: 2021-08-03. Review status: criteria provided, single submitter. Criteria: Invitae Variant Classification Sherloc (09022015). Collection method: clinical testing. Allele origin: germline.
Comment: In summary, the available evidence is currently insufficient to determine the role of this variant in disease. Therefore, it has been classified as a Variant of Uncertain Significance. Algorithms developed to predict the effect of missense changes on protein structure and function (SIFT, PolyPhen-2, Align-GVGD) all suggest that this variant is likely to be tolerated. This variant has not been reported in the literature in individuals affected with CNTNAP2-related conditions. This variant is not present in population databases (ExAC no frequency). This sequence change replaces methionine with isoleucine at codon 505 of the CNTNAP2 protein (p.Met505Ile). The methionine residue is moderately conserved and there is a small physicochemical difference between methionine and isoleucine.

NM_014141.6(CNTNAP2):c.1515G>A (p.Met505Ile)

Gene: CNTNAP2 (contactin associated protein 2; plus strand). Cytogenetic location: 7q35.
Variant type: single nucleotide variant.
Coding change: c.1515G>A on transcript NM_014141.6 (MANE Select); coding-DNA position 1515, G replaced by A.
Protein change: p.Met505Ile; replaces methionine 505 with isoleucine.
Molecular consequence: missense variant.
Genome position (GRCh38, 1-based): chr7:147,395,625, G>A. VCF-style: chr7-147395625-G-A. GRCh37 (hg19) VCF-style: chr7-147092717-G-A.
Other names: short protein forms M505I.
Identifiers: ClinVar variation 1465832 (VCV001465832.6), dbSNP rs372161542, ClinGen allele CA369925414.
Genomic context (GRCh38, chr7:147,395,625, plus strand): 5'-ATACTGTACACCAGATTTACATTCCCATTTCTTCTGTTTCACAGGTTTTCTGAACCAGAT[G>A]AATAACTCAAGTCACTCTGTCCTTCAGCCTTCATTCCAAGGATGCATGCAGCTCATTCAA-3'
Protein context (NP_054860.1, residues 495-515): KYFFGGFLNQ[Met505Ile]NNSSHSVLQP